The following is an entry in ClinVar:

NM_001042492.3(NF1):c.6322A>G (p.Thr2108Ala)

Gene: NF1 (neurofibromin 1; plus strand). Cytogenetic location: 17q11.2.
Variant type: single nucleotide variant.
Coding change: c.6322A>G on transcript NM_001042492.3 (MANE Select); coding-DNA position 6322, A replaced by G.
Protein change: p.Thr2108Ala; replaces threonine 2108 with alanine.
Molecular consequence: missense variant.
Genome position (GRCh38, 1-based): chr17:31,336,809, A>G. VCF-style: chr17-31336809-A-G. GRCh37 (hg19) VCF-style: chr17-29663827-A-G.
Other names: c.6259A>G, p.Thr2087Ala (NM_000267.4); short protein forms T2087A, T2108A.
Identifiers: ClinVar variation 3237870 (VCV003237870.2), dbSNP rs1024333224.
Genomic context (GRCh38, chr17:31,336,809, plus strand): 5'-CTGTCCTTCAACAATTCCCTTGATGTGGCAGCTCATCTTCCCTACCTCTTCCACGTTGTT[A>G]CTTTCTTAGTAGCCACAGGTCCGCTCTCCCTTAGAGCTTCCACACATGGACTGGTCATTA-3'
Protein context (NP_001035957.1, residues 2098-2118): AHLPYLFHVV[Thr2108Ala]FLVATGPLSL

ClinVar aggregate classification (germline): Uncertain significance. Review status: criteria provided, multiple submitters, no conflicts (2 of 4 stars). 2 submissions from 2 submitters: Uncertain significance (2). Last evaluated 2025-08-12.

Conditions:
Neurofibromatosis, type 1 (NF1). Also called: VON RECKLINGHAUSEN DISEASE; Neurofibromatosis, type I; NEUROFIBROMATOSIS, TYPE I, SOMATIC; Peripheral type neurofibromatosis. Identifiers: Orphanet 636, MedGen C0027831, MONDO:0018975, OMIM 162200. Disease mechanism: loss of function.
Cardiovascular phenotype. Identifiers: MedGen CN230736.
Hereditary cancer-predisposing syndrome. Also called: Neoplastic Syndromes, Hereditary; Tumor predisposition; Hereditary Cancer Syndrome; Hereditary neoplastic syndrome. Identifiers: Orphanet 140162, MedGen C0027672, MeSH D009386, MONDO:0015356.

Submissions (2):

3billion
Classification: Uncertain significance for Neurofibromatosis, type 1. Last evaluated: 2025-08-12. Review status: criteria provided, single submitter. Criteria: ACMG Guidelines, 2015. Collection method: clinical testing. Allele origin: germline. Affected: yes.
Comment: The variant is not observed in the gnomAD v4.1.0 dataset. Predicted Consequence/Location: Missense variant In silico tool predictions suggest damaging effect of the variant on gene or gene product [REVEL: 0.84 (>=0.6, sensitivity 0.68 and specificity 0.92)]. A different missense change at the same codon (p.Thr2108Ile) has been reported to be associated with NF1-related disorder (PMID: 33877690). Therefore, this variant is classified as VUS according to the recommendation of ACMG/AMP guideline.

Ambry Genetics
Classification: Uncertain significance for Cardiovascular phenotype; Hereditary cancer-predisposing syndrome. Last evaluated: 2023-09-06. Review status: criteria provided, single submitter. Criteria: Ambry Variant Classification Scheme 2023. Collection method: clinical testing. Allele origin: germline.
Comment: The p.T2087A variant (also known as c.6259A>G), located in coding exon 41 of the NF1 gene, results from an A to G substitution at nucleotide position 6259. The threonine at codon 2087 is replaced by alanine, an amino acid with similar properties. This amino acid position is highly conserved in available vertebrate species. In addition, this alteration is predicted to be deleterious by in silico analysis. Since supporting evidence is limited at this time, the clinical significance of this alteration remains unclear.

Literature cited by the submitters: PubMed 33877690 (cited by 3billion).